The following is an entry in ClinVar:

ClinVar aggregate classification (germline): Benign (0 of 4 stars; one submission).

Conditions:
HCN2-related disorder. Also called: HCN2-related condition.

Allele frequency attached by ClinVar (database versions not stated): ESP Exome Variant Server 0.06124; TOPMed 0.06828; 1000 Genomes Project 30x 0.08963; gnomAD exomes 0.01449; gnomAD 0.06037; 1000 Genomes Project 0.09026; ExAC 0.03773.
gnomAD v4.1: 30,731 of 1,608,758 alleles (1.9%); highest among the groups gnomAD compares: African/African-American, 17%; 1,782 homozygotes.

Submission:

PreventionGenetics, part of Exact Sciences
Classification: Benign for HCN2-related condition. Last evaluated: 2019-04-02. Review status: no assertion criteria provided. Collection method: clinical testing. Allele origin: germline.
Comment: This variant is classified as benign based on ACMG/AMP sequence variant interpretation guidelines (Richards et al. 2015 PMID: 25741868, with internal and published modifications).

NM_001194.4(HCN2):c.1218+6C>T

Gene: HCN2 (hyperpolarization activated cyclic nucleotide gated potassium and sodium channel 2; plus strand). Cytogenetic location: 19p13.3.
Variant type: single nucleotide variant.
Coding change: c.1218+6C>T on transcript NM_001194.4 (MANE Select); 6 bases into the intron after coding-DNA position 1218, C replaced by T.
Molecular consequence: intron variant.
Genome position (GRCh38, 1-based): chr19:605,228, C>T. VCF-style: chr19-605228-C-T. GRCh37 (hg19) VCF-style: chr19-605228-C-T.
Identifiers: ClinVar variation 3056581 (VCV003056581.2), dbSNP rs80135478, ClinGen allele CA9018348.